The following is an entry in ClinVar:

ClinVar aggregate classification (germline): Conflicting classifications of pathogenicity. Review status: criteria provided, conflicting classifications (1 of 4 stars). 3 submissions from 3 submitters: Likely pathogenic (2); Uncertain significance (1). Last evaluated 2025-07-25.

Conditions:
Congenital hyperammonemia, type I. Also called: CPS I DEFICIENCY; Carbamoyl-phosphate synthase I deficiency; Carbamoyl phosphate synthetase 1 deficiency; Hyperammonemia due to carbamoyl phosphate synthetase 1 deficiency; CPS 1 deficiency; Carbamyl phosphate synthetase (CPS) deficiency. Identifiers: Orphanet 147, MedGen C4082171, MONDO:0009376, OMIM 237300.
Pulmonary hypertension, neonatal, susceptibility to (PHN). Identifiers: MedGen C3714958, MONDO:0014151, OMIM 615371.

Submissions (3):

Women's Health and Genetics/Laboratory Corporation of America, LabCorp
Classification: Uncertain significance. Last evaluated: 2025-07-25. Review status: criteria provided, single submitter. Criteria: LabCorp Variant Classification Summary - May 2015. Collection method: clinical testing. Allele origin: germline.
Comment: Variant summary: CPS1 c.3523G>A (p.Glu1175Lys) results in a conservative amino acid change in the encoded protein sequence. Algorithms developed to predict the effect of missense changes on protein structure and function are either unavailable or do not agree on the potential impact of this missense change. The variant was absent in 251468 control chromosomes. The available data on variant occurrences in the general population are insufficient to allow any conclusion about variant significance. c.3523G>A has been observed in at least one individual affected with symptoms of Carbamoylphosphate Synthetase I Deficiency (internal data). These data do not allow any conclusion about variant significance. To our knowledge, no experimental evidence demonstrating an impact on protein function has been reported. ClinVar contains an entry for this variant (Variation ID: 971844). Based on the evidence outlined above, the variant was classified as uncertain significance.

Fulgent Genetics
Classification: Likely pathogenic for Congenital hyperammonemia, type I; Pulmonary hypertension, neonatal, susceptibility to. Last evaluated: 2024-03-27. Review status: criteria provided, single submitter. Criteria: ACMG Guidelines, 2015. Collection method: clinical testing. Allele origin: germline.

Labcorp Genetics (formerly Invitae), Labcorp
Classification: Likely pathogenic for Congenital hyperammonemia, type I. Last evaluated: 2023-08-21. Review status: criteria provided, single submitter. Criteria: Invitae Variant Classification Sherloc (09022015). Collection method: clinical testing. Allele origin: germline.
Comment: In summary, the currently available evidence indicates that the variant is pathogenic, but additional data are needed to prove that conclusively. Therefore, this variant has been classified as Likely Pathogenic. Advanced modeling of protein sequence and biophysical properties (such as structural, functional, and spatial information, amino acid conservation, physicochemical variation, residue mobility, and thermodynamic stability) performed at Invitae indicates that this missense variant is expected to disrupt CPS1 protein function. ClinVar contains an entry for this variant (Variation ID: 971844). This missense change has been observed in individual(s) with clinical features of carbamoyl phosphate synthetase I deficiency (Invitae). In at least one individual the data is consistent with being in trans (on the opposite chromosome) from a pathogenic variant. This variant is not present in population databases (gnomAD no frequency). This sequence change replaces glutamic acid, which is acidic and polar, with lysine, which is basic and polar, at codon 1175 of the CPS1 protein (p.Glu1175Lys).

NM_001875.5(CPS1):c.3523G>A (p.Glu1175Lys)

Gene: CPS1 (carbamoyl-phosphate synthase 1; plus strand). Cytogenetic location: 2q34.
Variant type: single nucleotide variant.
Coding change: c.3523G>A on transcript NM_001875.5 (MANE Select); coding-DNA position 3523, G replaced by A.
Protein change: p.Glu1175Lys; replaces glutamic acid 1175 with lysine.
Molecular consequence: missense variant. On other transcripts: non-coding transcript variant (2).
Genome position (GRCh38, 1-based): chr2:210,654,067, G>A. VCF-style: chr2-210654067-G-A. GRCh37 (hg19) VCF-style: chr2-211518791-G-A.
Other names: c.3523G>A, p.Glu1175Lys (NM_001122633.3, NM_001369257.1); c.3556G>A, p.Glu1186Lys (NM_001369256.1); short protein forms E1175K, E1186K.
Identifiers: ClinVar variation 971844 (VCV000971844.14), dbSNP rs146968493, ClinGen allele CA350437238.